The following is an entry in ClinVar:

NM_003079.5(SMARCE1):c.513G>A (p.Met171Ile)

Gene: SMARCE1 (SWI/SNF related BAF chromatin remodeling complex subunit E1; minus strand). Cytogenetic location: 17q21.2.
Variant type: single nucleotide variant.
Coding change: c.513G>A on transcript NM_003079.5 (MANE Select); coding-DNA position 513, G replaced by A.
Protein change: p.Met171Ile; replaces methionine 171 with isoleucine.
Molecular consequence: missense variant.
Genome position (GRCh38, 1-based): chr17:40,635,959, C>T on the plus strand (G>A on the coding strand, the complement: SMARCE1 is on the minus strand). VCF-style: chr17-40635959-C-T. GRCh37 (hg19) VCF-style: chr17-38792211-C-T.
Other names: short protein forms M171I.
Identifiers: ClinVar variation 4845051 (VCV004845051.1).
Genomic context (GRCh38, chr17:40,635,959, plus strand): 5'-GCATAAACAAAACCCCACTTTTTTTCTTTTACCATCTGGATCTTCAGCAGGCTGAATGCT[C>T]ATGTACGGTTCTCCTTTCTCCATGCGAGATTGTCTCTGTCGACTTTCTTCCTCTAAAGCA-3'
Protein context (NP_003070.3, residues 161-181): QSRMEKGEPY[Met171Ile]SIQPAEDPDD

ClinVar aggregate classification (germline): Uncertain significance (1 of 4 stars; one submission).

Conditions:
Hereditary cancer-predisposing syndrome. Also called: Neoplastic Syndromes, Hereditary; Tumor predisposition; Hereditary Cancer Syndrome; Hereditary neoplastic syndrome. Identifiers: Orphanet 140162, MedGen C0027672, MeSH D009386, MONDO:0015356.

Submission:

Ambry Genetics
Classification: Uncertain significance for Hereditary cancer-predisposing syndrome. Last evaluated: 2026-02-21. Review status: criteria provided, single submitter. Criteria: Ambry Variant Classification Scheme 2023. Collection method: clinical testing. Allele origin: germline.
Comment: The p.M171I variant (also known as c.513G>A), located in coding exon 6 of the SMARCE1 gene, results from a G to A substitution at nucleotide position 513. The methionine at codon 171 is replaced by isoleucine, an amino acid with highly similar properties. This amino acid position is conserved. In addition, this alteration is predicted to be tolerated by in silico analysis. Based on the available evidence, the clinical significance of this variant remains unclear.